The following is an entry in ClinVar:

NM_000135.4(FANCA):c.3513+4G>C

Gene: FANCA (FA complementation group A; minus strand). Cytogenetic location: 16q24.3.
Variant type: single nucleotide variant.
Coding change: c.3513+4G>C on transcript NM_000135.4 (MANE Select); 4 bases into the intron after coding-DNA position 3513, G replaced by C.
Molecular consequence: intron variant.
Genome position (GRCh38, 1-based): chr16:89,746,580, C>G on the plus strand (G>C on the coding strand, the complement: FANCA is on the minus strand). VCF-style: chr16-89746580-C-G. GRCh37 (hg19) VCF-style: chr16-89812988-C-G.
Other names: c.3513+4G>C (NM_001286167.3).
Identifiers: ClinVar variation 863858 (VCV000863858.8), dbSNP rs878946193, ClinGen allele CA916081868.

ClinVar aggregate classification (germline): Uncertain significance. Review status: criteria provided, single submitter (1 of 4 stars). 2 submissions from 2 submitters: Uncertain significance (1). 1 of the submissions does not count toward it. Last evaluated 2024-03-18.

Conditions:
Fanconi anemia (FA). Also called: Fanconi's anemia. Identifiers: Orphanet 84, MedGen C0015625, MeSH D005199, MONDO:0019391.

Submissions (2):

Labcorp Genetics (formerly Invitae), Labcorp
Classification: Uncertain significance for Fanconi anemia. Last evaluated: 2024-03-18. Review status: criteria provided, single submitter. Criteria: Invitae Variant Classification Sherloc (09022015). Collection method: clinical testing. Allele origin: germline.
Comment: This sequence change falls in intron 35 of the FANCA gene. It does not directly change the encoded amino acid sequence of the FANCA protein. It affects a nucleotide within the consensus splice site. This variant is not present in population databases (gnomAD no frequency). This variant has not been reported in the literature in individuals affected with FANCA-related conditions. ClinVar contains an entry for this variant (Variation ID: 863858). Variants that disrupt the consensus splice site are a relatively common cause of aberrant splicing (PMID: 17576681, 9536098). Algorithms developed to predict the effect of sequence changes on RNA splicing suggest that this variant is not likely to affect RNA splicing. In summary, the available evidence is currently insufficient to determine the role of this variant in disease. Therefore, it has been classified as a Variant of Uncertain Significance.

Natera, Inc.
Classification: Uncertain significance for Fanconi anemia. Last evaluated: 2020-12-16. Review status: no assertion criteria provided. Collection method: clinical testing. Allele origin: germline. Not counted in ClinVar's aggregate classification.

Literature cited by the submitters: PubMed 17576681 (cited by Labcorp Genetics (formerly Invitae), Labcorp); PubMed 9536098 (cited by Labcorp Genetics (formerly Invitae), Labcorp).